The following is an entry in ClinVar:

NM_000278.5(PAX2):c.1091G>A (p.Ser364Asn)

Gene: PAX2 (paired box 2; plus strand). Cytogenetic location: 10q24.31.
Variant type: single nucleotide variant.
Coding change: c.1091G>A on transcript NM_000278.5 (MANE Select); coding-DNA position 1091, G replaced by A.
Protein change: p.Ser364Asn; replaces serine 364 with asparagine.
Molecular consequence: missense variant.
Genome position (GRCh38, 1-based): chr10:100,827,078, G>A. VCF-style: chr10-100827078-G-A. GRCh37 (hg19) VCF-style: chr10-102586835-G-A.
Other names: c.1184G>A, p.Ser395Asn (NM_001304569.2); c.1160G>A, p.Ser387Asn (NM_003987.5, NM_003990.5); c.1174G>A, p.Ala392Thr (NM_003988.5); c.1091G>A, p.Ser364Asn (NM_003989.5); c.1160G>A (NM_003990.4); short protein forms S387N, S364N, S395N, A392T.
Identifiers: ClinVar variation 157679 (VCV000157679.11), dbSNP rs138490772, ClinGen allele CA345960.
Genomic context (GRCh38, chr10:100,827,078, plus strand): 5'-TCTCCGGCAACCCGTACAGCCACCCCCAGTACACGGCCTACAACGAGGCTTGGAGATTCA[G>A]CAACCCCGCCTTACTAAGTGAGTACGCCACCTGGCTGGCCGGCGGCTCAGCGCGGCCGCG-3'
Protein context (NP_000269.3, residues 354-374): YTAYNEAWRF[Ser364Asn]NPALLSSPYY

ClinVar aggregate classification (germline): Uncertain significance. Review status: criteria provided, multiple submitters, no conflicts (2 of 4 stars). 4 submissions from 4 submitters: Uncertain significance (3). 1 of the submissions does not count toward it. Last evaluated 2025-08-21.

Conditions:
PAX2-Related Disorder. Also called: PAX2-related disorders. Identifiers: MedGen CN381309.
Renal coloboma syndrome (PAPRS). Also called: PAPILLORENAL SYNDROME WITH MILD OCULAR ABNORMALITIES; CONGENITAL ANOMALIES OF THE KIDNEY AND URINARY TRACT WITH OR WITHOUT OCULAR ABNORMALITIES; CAKUT WITH OR WITHOUT OCULAR ABNORMALITIES; PAPILLORENAL SYNDROME; OPTIC COLOBOMA, VESICOURETERAL REFLUX, AND RENAL ANOMALIES; OPTIC NERVE COLOBOMA WITH RENAL DISEASE. Identifiers: Orphanet 1475, MedGen C1852759, MONDO:0007352, OMIM 120330.
Focal segmental glomerulosclerosis 7 (FSGS7). Identifiers: Orphanet 656, MedGen C4014925, MONDO:0014451, OMIM 616002.

Allele frequency attached by ClinVar (database versions not stated): gnomAD exomes 0.00001 and 0.00002; ExAC 0.00004; gnomAD 0.00005 and 0.00007; ESP Exome Variant Server 0.00008; TOPMed 0.00011.
gnomAD v4.1: 19 of 1,613,124 alleles (0.0012%); highest among the groups gnomAD compares: African/African-American, 0.023%; no homozygotes.

Submissions (4):

PreventionGenetics, part of Exact Sciences
Classification: Uncertain significance for PAX2-related condition. Last evaluated: 2025-08-21. Review status: criteria provided, single submitter. Criteria: ACMG Guidelines, 2015. Collection method: clinical testing. Allele origin: germline.
Comment: The PAX2 c.1160G>A variant is predicted to result in the amino acid substitution p.Ser387Asn. This variant was reported in an individual with bilateral optic nerve colobomas and chorioretinal colobomas, but this individual had a normal renal ultrasound and no renal phenotypes (Family 78 at Supp. Table S1, Bower et al. 2012. PubMed ID: 22213154). This variant is reported in 0.032% of alleles in individuals of African descent in gnomAD. At this time, the clinical significance of this variant is uncertain due to the absence of conclusive functional and genetic evidence.

Labcorp Genetics (formerly Invitae), Labcorp
Classification: Uncertain significance for Renal coloboma syndrome; Focal segmental glomerulosclerosis 7. Last evaluated: 2025-08-11. Review status: criteria provided, single submitter. Criteria: Invitae Variant Classification Sherloc (09022015). Collection method: clinical testing. Allele origin: germline.
Comment: This sequence change replaces alanine, which is neutral and non-polar, with threonine, which is neutral and polar, at codon 392 of the PAX2 protein (p.Ala392Thr). This variant is present in population databases (rs138490772, gnomAD 0.03%). This missense change has been observed in individual(s) with clinical features of PAX2-related conditions (PMID: 22213154). This variant is also known as NM_003990:c.1160G>A p.(Ser387Asn). ClinVar contains an entry for this variant (Variation ID: 157679). An algorithm developed to predict the effect of missense changes on protein structure and function (PolyPhen-2) suggests that this variant is likely to be disruptive. In summary, the available evidence is currently insufficient to determine the role of this variant in disease. Therefore, it has been classified as a Variant of Uncertain Significance.

Fulgent Genetics
Classification: Uncertain significance for Renal coloboma syndrome; Focal segmental glomerulosclerosis 7. Last evaluated: 2024-02-05. Review status: criteria provided, single submitter. Criteria: ACMG Guidelines, 2015. Collection method: clinical testing. Allele origin: germline.

GeneReviews
No classification provided. Condition: Renal coloboma syndrome. Review status: no classification provided. Collection method: literature only. Allele origin: germline. Affected: yes. Not counted in ClinVar's aggregate classification.

Literature cited by the submitters: PubMed 22213154 (cited by Labcorp Genetics (formerly Invitae), Labcorp); NCBI Bookshelf NBK1451 (cited by GeneReviews).